The following is an entry in ClinVar:

NM_000843.4(GRM6):c.1810G>A (p.Val604Met)

Genes: ZNF454 (zinc finger protein 454; plus strand), GRM6 (glutamate metabotropic receptor 6; minus strand). Cytogenetic location: 5q35.3.
Variant type: single nucleotide variant.
Coding change: c.1810G>A on transcript NM_000843.4 (MANE Select); coding-DNA position 1810, G replaced by A.
Protein change: p.Val604Met; replaces valine 604 with methionine.
Molecular consequence: missense variant.
Genome position (GRCh38, 1-based): chr5:178,986,444, C>T on the plus strand (G>A on the coding strand, the complement: GRM6 is on the minus strand). VCF-style: chr5-178986444-C-T. GRCh37 (hg19) VCF-style: chr5-178413445-C-T.
Other names: short protein forms V604M.
Identifiers: ClinVar variation 849057 (VCV000849057.6), dbSNP rs753949710, ClinGen allele CA133025760.
Genomic context (GRCh38, chr5:178,986,444, plus strand): 5'-TGAGCTCTCGGCCCGAGGCCCGGACGATGGGCGTGTTGTTGTACCGCACGAAGGTGGCCA[C>T]CACCGTGGTAGTGGCCACGATGCCCAGCACGGCCAGGAGGAGCGGCGGGGCTGCCCAGGG-3'
Protein context (NP_000834.2, residues 594-614): VLGIVATTTV[Val604Met]ATFVRYNNTP

ClinVar aggregate classification (germline): Uncertain significance (1 of 4 stars; one submission).

Allele frequency attached by ClinVar (database versions not stated): gnomAD exomes below 0.00001.
gnomAD v4.1: 33 of 1,613,264 alleles (0.002%); highest among the groups gnomAD compares: Non-Finnish European, 0.0028%; no homozygotes.

Submission:

Labcorp Genetics (formerly Invitae), Labcorp
Classification: Uncertain significance. Last evaluated: 2022-07-19. Review status: criteria provided, single submitter. Criteria: Invitae Variant Classification Sherloc (09022015). Collection method: clinical testing. Allele origin: germline.
Comment: In summary, the available evidence is currently insufficient to determine the role of this variant in disease. Therefore, it has been classified as a Variant of Uncertain Significance. Advanced modeling of protein sequence and biophysical properties (such as structural, functional, and spatial information, amino acid conservation, physicochemical variation, residue mobility, and thermodynamic stability) performed at Invitae indicates that this missense variant is not expected to disrupt GRM6 protein function. ClinVar contains an entry for this variant (Variation ID: 849057). This variant has not been reported in the literature in individuals affected with GRM6-related conditions. This variant is present in population databases (rs753949710, gnomAD 0.0009%). This sequence change replaces valine, which is neutral and non-polar, with methionine, which is neutral and non-polar, at codon 604 of the GRM6 protein (p.Val604Met).